The following is an entry in ClinVar:

ClinVar aggregate classification (germline): Likely benign. Review status: criteria provided, multiple submitters, no conflicts (2 of 4 stars). 3 submissions from 3 submitters: Likely benign (3). Last evaluated 2023-08-03.

Conditions:
Hyperphosphatasia with impaired intellectual development syndrome 2. Also called: GLYCOSYLPHOSPHATIDYLINOSITOL BIOSYNTHESIS DEFECT 6; Hyperphosphatasia with intellectual disability syndrome 2. Identifiers: Orphanet 247262, MedGen C3553637, MONDO:0013882, OMIM 614749.

Allele frequency attached by ClinVar (database versions not stated): gnomAD exomes 0.00002 and 0.00011; ExAC 0.00001; gnomAD 0.00006; ESP Exome Variant Server 0.00008; TOPMed 0.00003.

Submissions (3):

Labcorp Genetics (formerly Invitae), Labcorp
Classification: Likely benign for Hyperphosphatasia with impaired intellectual development syndrome 2. Last evaluated: 2023-08-03. Review status: criteria provided, single submitter. Criteria: Invitae Variant Classification Sherloc (09022015). Collection method: clinical testing. Allele origin: germline.

Blueprint Genetics
Classification: Likely benign. Last evaluated: 2022-02-10. Review status: criteria provided, single submitter. Criteria: ACMG Guidelines, 2015. Collection method: clinical testing. Allele origin: germline.

GeneDx
Classification: Likely benign. Last evaluated: 2016-05-27. Review status: criteria provided, single submitter. Criteria: GeneDx Variant Classification (06012015). Collection method: clinical testing. Allele origin: germline. Affected: yes.
Comment: This variant is considered likely benign or benign based on one or more of the following criteria: it is a conservative change, it occurs at a poorly conserved position in the protein, it is predicted to be benign by multiple in silico algorithms, and/or has population frequency not consistent with disease.

NM_032634.4(PIGO):c.1392C>T (p.Ile464=)

Gene: PIGO (phosphatidylinositol glycan anchor biosynthesis class O; minus strand). Cytogenetic location: 9p13.3.
Variant type: single nucleotide variant.
Coding change: c.1392C>T on transcript NM_032634.4 (MANE Select); coding-DNA position 1392, C replaced by T.
Protein change: p.Ile464=; no amino-acid change (isoleucine 464 retained).
Molecular consequence: synonymous variant. On other transcripts: intron variant (2).
Genome position (GRCh38, 1-based): chr9:35,092,495, G>A on the plus strand (C>T on the coding strand, the complement: PIGO is on the minus strand). VCF-style: chr9-35092495-G-A. GRCh37 (hg19) VCF-style: chr9-35092492-G-A.
Other names: c.1344+48C>T (NM_152850.4, NM_001201484.2).
Identifiers: ClinVar variation 386570 (VCV000386570.12), dbSNP rs149790500, ClinGen allele CA5040641.
Genomic context (GRCh38, chr9:35,092,495, plus strand): 5'-CAGGAGTAGAGGGCAGAATGGAAAGCCTGGGGATATTGCCCACTGAGATGCCAGCAGGCA[G>A]ATAAAGCAGGAAGCAGCCAAGAGAGCAGTACCCCCCGCCATGCGGACCAGAGAGAAACGA-3'
Protein context (NP_116023.2, residues 454-474): GTALLAASCF[Ile464=]CLLASQWAIS